The following is an entry in ClinVar:

NM_022827.4(SPATA20):c.283A>G (p.Asn95Asp)

Gene: SPATA20 (spermatogenesis associated 20; plus strand). Cytogenetic location: 17q21.33.
Variant type: single nucleotide variant.
Coding change: c.283A>G on transcript NM_022827.4 (MANE Select); coding-DNA position 283, A replaced by G.
Protein change: p.Asn95Asp; replaces asparagine 95 with aspartic acid.
Molecular consequence: missense variant.
Genome position (GRCh38, 1-based): chr17:50,548,440, A>G. VCF-style: chr17-50548440-A-G. GRCh37 (hg19) VCF-style: chr17-48625801-A-G.
Other names: c.235A>G, p.Asn79Asp (NM_001258372.2); c.103A>G, p.Asn35Asp (NM_001258373.2); short protein forms N35D, N79D, N95D.
Identifiers: ClinVar variation 2647894 (VCV002647894.24), dbSNP rs145670888, ClinGen allele CA8651064.

ClinVar aggregate classification (germline): Likely benign (1 of 4 stars; one submission).

Allele frequency attached by ClinVar (database versions not stated): 1000 Genomes Project 0.00359; 1000 Genomes Project 30x 0.00359; gnomAD 0.00367; ESP Exome Variant Server 0.00392; ExAC 0.00420; TOPMed 0.00444; gnomAD exomes 0.00483.
gnomAD v4.1: 7,715 of 1,613,832 alleles (0.48%); highest among the groups gnomAD compares: Middle Eastern, 1.9%; 34 homozygotes.

Submission:

CeGaT Center for Human Genetics Tuebingen
Classification: Likely benign. Last evaluated: 2024-01-01. Review status: criteria provided, single submitter. Criteria: CeGaT Center For Human Genetics Tuebingen Variant Classification Criteria Version 2. Collection method: clinical testing. Allele origin: germline. Affected: yes. Observed: 2 variant alleles.
Comment: SPATA20: BS2